The following is an entry in ClinVar:

ClinVar aggregate classification (germline): Uncertain significance (1 of 4 stars; one submission).

Conditions:
Mendelian susceptibility to mycobacterial diseases due to complete ISG15 deficiency. Also called: Immunodeficiency 38; IMMUNODEFICIENCY 38, MYCOBACTERIOSIS, AUTOSOMAL RECESSIVE; ISG15 DEFICIENCY, AUTOSOMAL RECESSIVE; Immunodeficiency 38 with basal ganglia calcification. Identifiers: Orphanet 319563, MedGen C4015293, MONDO:0014502, OMIM 616126.

Submission:

Labcorp Genetics (formerly Invitae), Labcorp
Classification: Uncertain significance for Mendelian susceptibility to mycobacterial diseases due to complete ISG15 deficiency. Last evaluated: 2023-11-14. Review status: criteria provided, single submitter. Criteria: Invitae Variant Classification Sherloc (09022015). Collection method: clinical testing. Allele origin: germline.
Comment: This sequence change replaces glutamic acid, which is acidic and polar, with valine, which is neutral and non-polar, at codon 14 of the ISG15 protein (p.Glu14Val). This variant is not present in population databases (gnomAD no frequency). This variant has not been reported in the literature in individuals affected with ISG15-related conditions. An algorithm developed to predict the effect of missense changes on protein structure and function (PolyPhen-2) suggests that this variant is likely to be disruptive. In summary, the available evidence is currently insufficient to determine the role of this variant in disease. Therefore, it has been classified as a Variant of Uncertain Significance.

NM_005101.4(ISG15):c.41A>T (p.Glu14Val)

Gene: ISG15 (ISG15 ubiquitin like modifier; plus strand). Cytogenetic location: 1p36.33.
Variant type: single nucleotide variant.
Coding change: c.41A>T on transcript NM_005101.4 (MANE Select); coding-DNA position 41, A replaced by T.
Protein change: p.Glu14Val; replaces glutamic acid 14 with valine.
Molecular consequence: missense variant.
Genome position (GRCh38, 1-based): chr1:1,014,021, A>T. VCF-style: chr1-1014021-A-T. GRCh37 (hg19) VCF-style: chr1-949401-A-T.
Other names: short protein forms E14V.
Identifiers: ClinVar variation 2836779 (VCV002836779.3), dbSNP rs2523126989, ClinGen allele CA337803495.